The following is an entry in ClinVar:

ClinVar aggregate classification (germline): Benign/Likely benign. Review status: criteria provided, multiple submitters, no conflicts (2 of 4 stars). 4 submissions from 4 submitters: Benign (2); Likely benign (2). Last evaluated 2026-02-01.

Allele frequency attached by ClinVar (database versions not stated): 1000 Genomes Project 30x 0.00021; gnomAD 0.00023 and 0.00025; gnomAD exomes 0.00023 and 0.00054; 1000 Genomes Project 0.00026; ESP Exome Variant Server 0.00028; ExAC 0.00037; TOPMed 0.00039.
gnomAD v4.1: 307 of 1,210,441 alleles (0.025%); highest among the groups gnomAD compares: South Asian, 0.0053%; no homozygotes.

Submissions (4):

Labcorp Genetics (formerly Invitae), Labcorp
Classification: Benign. Last evaluated: 2026-02-01. Review status: criteria provided, single submitter. Criteria: Invitae Variant Classification Sherloc (09022015). Collection method: clinical testing. Allele origin: germline.

Blueprint Genetics
Classification: Likely benign. Last evaluated: 2024-11-21. Review status: criteria provided, single submitter. Criteria: ACMG Guidelines, 2015. Collection method: clinical testing. Allele origin: germline.

CeGaT Center for Human Genetics Tuebingen
Classification: Likely benign. Last evaluated: 2022-11-01. Review status: criteria provided, single submitter. Criteria: CeGaT Center For Human Genetics Tuebingen Variant Classification Criteria Version 2. Collection method: clinical testing. Allele origin: germline. Affected: yes. Observed: 1 variant allele.
Comment: CLCN4: BP4, BP7, BS2

GeneDx
Classification: Benign. Last evaluated: 2018-11-05. Review status: criteria provided, single submitter. Criteria: GeneDx Variant Classification Process June 2021. Collection method: clinical testing. Allele origin: germline. Affected: yes.

NM_001830.4(CLCN4):c.1863C>T (p.Asp621=)

Gene: CLCN4 (Cl-/H+ antiporter 4; plus strand). Cytogenetic location: Xp22.2.
Variant type: single nucleotide variant.
Coding change: c.1863C>T on transcript NM_001830.4 (MANE Select); coding-DNA position 1863, C replaced by T.
Protein change: p.Asp621=; no amino-acid change (aspartic acid 621 retained).
Molecular consequence: synonymous variant.
Genome position (GRCh38, 1-based): chrX:10,213,967, C>T. VCF-style: chrX-10213967-C-T. GRCh37 (hg19) VCF-style: chrX-10182007-C-T.
Other names: c.1581C>T, p.Asp527= (NM_001256944.2).
Identifiers: ClinVar variation 696206 (VCV000696206.38), dbSNP rs36049237, ClinGen allele CA10347302.
Genomic context (GRCh38, chrX:10,213,967, plus strand): 5'-GCCCCGGCGGGGAGAGCCGCCACTGTCGGTGCTCACCCAGGACAGCATGACTGTCGAGGA[C>T]GTGGAGACGCTCATCAAGGAGACCGACTACAACGGCTTCCCCGTGGTGGTCTCCAGAGAC-3'
Protein context (NP_001821.2, residues 611-631): VLTQDSMTVE[Asp621=]VETLIKETDY